The following is an entry in ClinVar:

ClinVar aggregate classification (germline): Uncertain significance. Review status: criteria provided, multiple submitters, no conflicts (2 of 4 stars). 3 submissions from 3 submitters: Uncertain significance (3). Last evaluated 2024-01-30.

Conditions:
Inborn genetic diseases. Identifiers: MedGen C0950123, MeSH D030342.
Congenital myasthenic syndrome 8. Also called: MYASTHENIC SYNDROME, CONGENITAL, DUE TO AGRIN DEFICIENCY; Myasthenic syndrome, congenital, 8, with pre- and postsynaptic defects. Identifiers: Orphanet 590, MedGen C3808739, MONDO:0014052, OMIM 615120.

Allele frequency attached by ClinVar (database versions not stated): gnomAD exomes 0.00007; ESP Exome Variant Server 0.00008; TOPMed 0.00007; ExAC 0.00008; gnomAD 0.00005.
gnomAD v4.1: 105 of 1,578,888 alleles (0.0067%); highest among the groups gnomAD compares: South Asian, 0.017%; no homozygotes.

Submissions (3):

Ambry Genetics
Classification: Uncertain significance for Inborn genetic diseases. Last evaluated: 2024-01-30. Review status: criteria provided, single submitter. Criteria: Ambry Variant Classification Scheme 2023. Collection method: clinical testing. Allele origin: germline.

Labcorp Genetics (formerly Invitae), Labcorp
Classification: Uncertain significance for Congenital myasthenic syndrome 8. Last evaluated: 2023-08-10. Review status: criteria provided, single submitter. Criteria: Invitae Variant Classification Sherloc (09022015). Collection method: clinical testing. Allele origin: germline.
Comment: In summary, the available evidence is currently insufficient to determine the role of this variant in disease. Therefore, it has been classified as a Variant of Uncertain Significance. An algorithm developed to predict the effect of missense changes on protein structure and function (PolyPhen-2) suggests that this variant¬†is likely to be tolerated. ClinVar contains an entry for this variant (Variation ID: 649742). This variant has not been reported in the literature in individuals affected with AGRN-related conditions. This variant is present in population databases (rs375590400, gnomAD 0.02%). This sequence change replaces alanine, which is neutral and non-polar, with threonine, which is neutral and polar, at codon 1304 of the AGRN protein (p.Ala1304Thr).

Breakthrough Genomics
Classification: Uncertain significance. Review status: criteria provided, single submitter. Criteria: ACMG Guidelines, 2015. Collection method: not provided. Allele origin: germline. Inheritance: Autosomal recessive inheritance. Affected: yes.

NM_198576.4(AGRN):c.3910G>A (p.Ala1304Thr)

Gene: AGRN (agrin; plus strand). Cytogenetic location: 1p36.33.
Variant type: single nucleotide variant.
Coding change: c.3910G>A on transcript NM_198576.4 (MANE Select); coding-DNA position 3910, G replaced by A.
Protein change: p.Ala1304Thr; replaces alanine 1304 with threonine.
Molecular consequence: missense variant.
Genome position (GRCh38, 1-based): chr1:1,048,170, G>A. VCF-style: chr1-1048170-G-A. GRCh37 (hg19) VCF-style: chr1-983550-G-A.
Other names: c.3910G>A, p.Ala1304Thr (NM_001305275.2); c.3595G>A, p.Ala1199Thr (NM_001364727.2); short protein forms A1304T, A1199T.
Identifiers: ClinVar variation 649742 (VCV000649742.6), dbSNP rs375590400, ClinGen allele CA509272.